The following is an entry in ClinVar:

NM_000587.4(C7):c.923C>G (p.Ser308Trp)

Gene: C7 (complement C7; plus strand). Cytogenetic location: 5p13.1.
Variant type: single nucleotide variant.
Coding change: c.923C>G on transcript NM_000587.4 (MANE Select); coding-DNA position 923, C replaced by G.
Protein change: p.Ser308Trp; replaces serine 308 with tryptophan.
Molecular consequence: missense variant.
Genome position (GRCh38, 1-based): chr5:40,947,786, C>G. VCF-style: chr5-40947786-C-G. GRCh37 (hg19) VCF-style: chr5-40947888-C-G.
Other names: short protein forms S308W.
Identifiers: ClinVar variation 2172612 (VCV002172612.2), dbSNP rs1244593692, ClinGen allele CA359583065.

ClinVar aggregate classification (germline): Uncertain significance (1 of 4 stars; one submission).

Allele frequency attached by ClinVar (database versions not stated): TOPMed 0.00001.
gnomAD v4.1: 12 of 1,612,844 alleles (0.00074%); highest among the groups gnomAD compares: Admixed American, 0.0033%; no homozygotes.

Submission:

Labcorp Genetics (formerly Invitae), Labcorp
Classification: Uncertain significance. Last evaluated: 2022-08-07. Review status: criteria provided, single submitter. Criteria: Invitae Variant Classification Sherloc (09022015). Collection method: clinical testing. Allele origin: germline.
Comment: In summary, the available evidence is currently insufficient to determine the role of this variant in disease. Therefore, it has been classified as a Variant of Uncertain Significance. Algorithms developed to predict the effect of sequence changes on RNA splicing suggest that this variant may create or strengthen a splice site. Algorithms developed to predict the effect of missense changes on protein structure and function are either unavailable or do not agree on the potential impact of this missense change (SIFT: "Deleterious"; PolyPhen-2: "Probably Damaging"; Align-GVGD: "Class C15"). This variant has not been reported in the literature in individuals affected with C7-related conditions. This variant is present in population databases (no rsID available, gnomAD 0.003%). This sequence change replaces serine, which is neutral and polar, with tryptophan, which is neutral and slightly polar, at codon 308 of the C7 protein (p.Ser308Trp).